The following is an entry in ClinVar:

ClinVar aggregate classification (germline): Pathogenic (1 of 4 stars; one submission).

Submission:

CeGaT Center for Human Genetics Tuebingen
Classification: Pathogenic. Last evaluated: 2025-07-01. Review status: criteria provided, single submitter. Criteria: CeGaT Center For Human Genetics Tuebingen Variant Classification Criteria Version 2. Collection method: clinical testing. Allele origin: germline. Affected: yes. Observed: 1 variant allele.
Comment: ERCC4: PVS1, PM2, PM3:Supporting

NM_005236.3(ERCC4):c.430C>T (p.Gln144Ter)

Gene: ERCC4 (ERCC excision repair 4, endonuclease catalytic subunit; plus strand). Cytogenetic location: 16p13.12.
Variant type: single nucleotide variant.
Coding change: c.430C>T on transcript NM_005236.3 (MANE Select); coding-DNA position 430, C replaced by T.
Protein change: p.Gln144Ter; replaces glutamine 144 with a stop codon.
Molecular consequence: nonsense.
Genome position (GRCh38, 1-based): chr16:13,926,602, C>T. VCF-style: chr16-13926602-C-T. GRCh37 (hg19) VCF-style: chr16-14020459-C-T.
Other names: short protein forms Q144*.
Identifiers: ClinVar variation 4085538 (VCV004085538.8).